The following is an entry in ClinVar:

NM_153026.3(PRICKLE1):c.886A>G (p.Lys296Glu)

Genes: PRICKLE1 (prickle planar cell polarity protein 1; minus strand), LOC126861509 (BRD4-independent group 4 enhancer GRCh37_chr12:42858567-42859766; plus strand). Cytogenetic location: 12q12.
Variant type: single nucleotide variant.
Coding change: c.886A>G on transcript NM_153026.3 (MANE Select); coding-DNA position 886, A replaced by G.
Protein change: p.Lys296Glu; replaces lysine 296 with glutamic acid.
Molecular consequence: missense variant.
Genome position (GRCh38, 1-based): chr12:42,465,148, T>C on the plus strand (A>G on the coding strand, the complement: PRICKLE1 is on the minus strand). VCF-style: chr12-42465148-T-C. GRCh37 (hg19) VCF-style: chr12-42858950-T-C.
Other names: c.886A>G, p.Lys296Glu (NM_001144881.2, NM_001144882.2, NM_001144883.2); short protein forms K296E.
Identifiers: ClinVar variation 4855203 (VCV004855203.1).

ClinVar aggregate classification (germline): Uncertain significance (1 of 4 stars; one submission).

Conditions:
Epilepsy, progressive myoclonic, 1B. Also called: PME. Identifiers: Orphanet 308, MedGen C2676254, MONDO:0012904, OMIM 612437.

gnomAD v4.1: 1 of 1,586,982 alleles (0.000063%); highest among the groups gnomAD compares: Non-Finnish European, 0.000085%; no homozygotes.

Submission:

3billion
Classification: Uncertain significance for Epilepsy, progressive myoclonic, 1B. Last evaluated: 2026-01-12. Review status: criteria provided, single submitter. Criteria: ACMG Guidelines, 2015. Collection method: clinical testing. Allele origin: germline. Affected: yes.
Comment: The variant is observed at an extremely low frequency in the gnomAD v4.1.0 dataset (total allele frequency: <0.001%). Predicted Consequence/Location: Missense variant In silico tool predictions suggest damaging effect of the variant on gene or gene product [REVEL: 0.61 (>=0.6, sensitivity 0.68 and specificity 0.92); 3Cnet: 0.00 (> 0.75, sensitivity 0.96 and precision 0.92)]. Therefore, this variant is classified as VUS according to the recommendation of ACMG/AMP guideline.